The following is an entry in ClinVar:

NM_001005242.3(PKP2):c.1735C>T (p.Pro579Ser)

Gene: PKP2 (plakophilin 2; minus strand). Cytogenetic location: 12p11.21.
Variant type: single nucleotide variant.
Coding change: c.1735C>T on transcript NM_001005242.3 (MANE Select); coding-DNA position 1735, C replaced by T.
Protein change: p.Pro579Ser; replaces proline 579 with serine.
Molecular consequence: missense variant. On other transcripts: intron variant (1).
Genome position (GRCh38, 1-based): chr12:32,822,571, G>A on the plus strand (C>T on the coding strand, the complement: PKP2 is on the minus strand). VCF-style: chr12-32822571-G-A. GRCh37 (hg19) VCF-style: chr12-32975505-G-A.
Other names: c.1735C>T, p.Pro579Ser (NM_001407155.1, NM_001407161.1); c.1867C>T, p.Pro623Ser (NM_001407157.1, NM_004572.4); c.1408C>T, p.Pro470Ser (NM_001407158.1, NM_001407159.1, NM_001407160.1 and 1 more transcripts); c.1675-1042C>T (NM_001407156.1); short protein forms P470S, P579S, P623S.
Identifiers: ClinVar variation 3071343 (VCV003071343.3), dbSNP rs2541231874, ClinGen allele CA384363270.
Genomic context (GRCh38, chr12:32,822,571, plus strand): 5'-TGTTGTTGTCAGTCTGGATATTCCGGTTTTGAATATAGATATTCTGGGAATATTTCTCTG[G>A]GAGCTCTGCCTCCAGCTGGTAGGAGAGGTTATGAAGAATGCACACACAATTCTCCGTGGC-3'
Protein context (NP_001005242.2, residues 569-589): NLSYQLEAEL[Pro579Ser]EKYSQNIYIQ

ClinVar aggregate classification (germline): Uncertain significance. Review status: criteria provided, multiple submitters, no conflicts (2 of 4 stars). 2 submissions from 2 submitters: Uncertain significance (2). Last evaluated 2024-05-27.

Conditions:
Arrhythmogenic right ventricular cardiomyopathy (ARVD). Also called: Arrhythmogenic right ventricular dysplasia; Cardiomyopathy, ARVC; Arrhythmogenic cardiomyopathy; Arrhythmogenic Right Ventricular Cardiomyopathy (ARVC). Identifiers: Orphanet 247, MedGen C0349788, MeSH D019571, MONDO:0016587. Disease mechanism: loss of function. Inheritance: Various modes of inheritance.
Arrhythmogenic right ventricular dysplasia 9 (ARVD9). Also called: Arrhythmogenic Right Ventricular Dysplasia/Cardiomyopathy 9; ARRHYTHMOGENIC RIGHT VENTRICULAR DYSPLASIA, FAMILIAL, 9. Identifiers: MedGen C1836906, MONDO:0012180, OMIM 609040.

Submissions (2):

Labcorp Genetics (formerly Invitae), Labcorp
Classification: Uncertain significance for Arrhythmogenic right ventricular dysplasia 9. Last evaluated: 2024-05-27. Review status: criteria provided, single submitter. Criteria: Invitae Variant Classification Sherloc (09022015). Collection method: clinical testing. Allele origin: germline.
Comment: This sequence change replaces proline, which is neutral and non-polar, with serine, which is neutral and polar, at codon 623 of the PKP2 protein (p.Pro623Ser). This variant is not present in population databases (gnomAD no frequency). This variant has not been reported in the literature in individuals affected with PKP2-related conditions. An algorithm developed to predict the effect of missense changes on protein structure and function (PolyPhen-2) suggests that this variant is likely to be disruptive. In summary, the available evidence is currently insufficient to determine the role of this variant in disease. Therefore, it has been classified as a Variant of Uncertain Significance.

All of Us Research Program, National Institutes of Health
Classification: Uncertain significance for Arrhythmogenic right ventricular cardiomyopathy. Last evaluated: 2023-08-08. Review status: criteria provided, single submitter. Criteria: ACMG Guidelines, 2015. Collection method: clinical testing. Allele origin: germline. Inheritance: Autosomal dominant inheritance. Observed: 2 variant alleles, 2 heterozygotes.
Comment: This missense variant replaces proline with serine at codon 623 of the PKP2 protein. Computational prediction is inconclusive regarding the impact of this variant on protein structure and function (internally defined REVEL score threshold 0.5 < inconclusive < 0.7, PMID: 27666373). To our knowledge, functional studies have not been reported for this variant. This variant has not been reported in individuals affected with PKP2-related disorders in the literature. This variant has not been identified in the general population by the Genome Aggregation Database (gnomAD). The available evidence is insufficient to determine the role of this variant in disease conclusively. Therefore, this variant is classified as a Variant of Uncertain Significance.

This study involves interpretation of variants in research participants for the purpose of population health screening. Participant phenotype was not available at the time of variant classification. Additional details can be found in publication PMID: 35346344, PMCID: PMC8962531